The following is an entry in ClinVar:

ClinVar aggregate classification (germline): Benign/Likely benign. Review status: criteria provided, multiple submitters, no conflicts (2 of 4 stars). 3 submissions from 3 submitters: Benign (1); Likely benign (2). Last evaluated 2025-12-17.

Conditions:
Hereditary cancer-predisposing syndrome. Also called: Neoplastic Syndromes, Hereditary; Tumor predisposition; Hereditary Cancer Syndrome; Hereditary neoplastic syndrome. Identifiers: Orphanet 140162, MedGen C0027672, MeSH D009386, MONDO:0015356.
Prostate cancer, hereditary, 9 (HPC9). Identifiers: Orphanet 1331, MedGen C1970250, MONDO:0012597, OMIM 610997.

Submissions (3):

Labcorp Genetics (formerly Invitae), Labcorp
Classification: Likely benign. Last evaluated: 2025-12-17. Review status: criteria provided, single submitter. Criteria: Invitae Variant Classification Sherloc (09022015). Collection method: clinical testing. Allele origin: germline.

Ambry Genetics
Classification: Likely benign for Hereditary cancer-predisposing syndrome. Last evaluated: 2025-01-23. Review status: criteria provided, single submitter. Criteria: Ambry Variant Classification Scheme 2023. Collection method: clinical testing. Allele origin: germline.

Myriad Genetics, Inc.
Classification: Benign for Prostate cancer, hereditary, 9. Last evaluated: 2024-10-29. Review status: criteria provided, single submitter. Criteria: Myriad Autosomal Dominant, Autosomal Recessive and X-Linked Classification Criteria (2023). Collection method: clinical testing. Allele origin: unknown.
Comment: This variant is considered benign. This variant is a silent/synonymous amino acid change and it is not expected to impact splicing.

NM_006361.6(HOXB13):c.249T>C (p.Phe83=)

Gene: HOXB13 (homeobox B13; minus strand). Cytogenetic location: 17q21.32.
Variant type: single nucleotide variant.
Coding change: c.249T>C on transcript NM_006361.6 (MANE Select); coding-DNA position 249, T replaced by C.
Protein change: p.Phe83=; no amino-acid change (phenylalanine 83 retained).
Molecular consequence: synonymous variant.
Genome position (GRCh38, 1-based): chr17:48,728,345, A>G on the plus strand (T>C on the coding strand, the complement: HOXB13 is on the minus strand). VCF-style: chr17-48728345-A-G. GRCh37 (hg19) VCF-style: chr17-46805707-A-G.
Identifiers: ClinVar variation 3773135 (VCV003773135.3).